The following is an entry in ClinVar:

NM_001308093.3(GATA4):c.175G>A (p.Ala59Thr)

Gene: GATA4 (GATA binding protein 4). Cytogenetic location: 8p23.1.
Variant type: single nucleotide variant.
Coding change: c.175G>A on transcript NM_001308093.3 (MANE Select); coding-DNA position 175, G replaced by A.
Protein change: p.Ala59Thr; replaces alanine 59 with threonine.
Molecular consequence: missense variant. On other transcripts: intron variant (3).
Genome position (GRCh38, 1-based): chr8:11,708,487, G>A. VCF-style: chr8-11708487-G-A. GRCh37 (hg19) VCF-style: chr8-11565996-G-A.
Other names: c.175G>A, p.Ala59Thr (NM_002052.5); c.-6+7709G>A (NM_001308094.2); c.-3+473G>A (NM_001374274.1); c.-3+4183G>A (NM_001374273.1); c.175G>A (NM_002052.4, NM_002052.3); short protein forms A59T.
Identifiers: ClinVar variation 2911272 (VCV002911272.5), dbSNP rs1183065957, ClinGen allele CA370309073.

ClinVar aggregate classification (germline): Uncertain significance. Review status: criteria provided, multiple submitters, no conflicts (2 of 4 stars). 3 submissions from 3 submitters: Uncertain significance (3). Last evaluated 2025-12-21.

Conditions:
Cardiovascular phenotype. Identifiers: MedGen CN230736.
Atrioventricular septal defect 4 (AVSD4). Identifiers: MedGen C3280781, MONDO:0013747, OMIM 614430.

Allele frequency attached by ClinVar (database versions not stated): gnomAD 0.00002; TOPMed 0.00002.
gnomAD v4.1: 10 of 1,495,964 alleles (0.00067%); highest among the groups gnomAD compares: Non-Finnish European, 0.00088%; no homozygotes.

Submissions (3):

Ambry Genetics
Classification: Uncertain significance for Cardiovascular phenotype. Last evaluated: 2025-12-21. Review status: criteria provided, single submitter. Criteria: Ambry Variant Classification Scheme 2023. Collection method: clinical testing. Allele origin: germline.
Comment: The p.A59T variant (also known as c.175G>A), located in coding exon 1 of the GATA4 gene, results from a G to A substitution at nucleotide position 175. The alanine at codon 59 is replaced by threonine, an amino acid with similar properties. This amino acid position is conserved. In addition, this alteration is predicted to be tolerated by in silico analysis. Based on the available evidence, the clinical significance of this variant remains unclear.

Labcorp Genetics (formerly Invitae), Labcorp
Classification: Uncertain significance for Atrioventricular septal defect 4. Last evaluated: 2025-06-20. Review status: criteria provided, single submitter. Criteria: Invitae Variant Classification Sherloc (09022015). Collection method: clinical testing. Allele origin: germline.
Comment: This sequence change replaces alanine, which is neutral and non-polar, with threonine, which is neutral and polar, at codon 59 of the GATA4 protein (p.Ala59Thr). The frequency data for this variant in the population databases is considered unreliable, as metrics indicate poor data quality at this position in the gnomAD database. This variant has not been reported in the literature in individuals affected with GATA4-related conditions. ClinVar contains an entry for this variant (Variation ID: 2911272). Invitae Evidence Modeling of protein sequence and biophysical properties (such as structural, functional, and spatial information, amino acid conservation, physicochemical variation, residue mobility, and thermodynamic stability) indicates that this missense variant is not expected to disrupt GATA4 protein function with a negative predictive value of 95%. In summary, the available evidence is currently insufficient to determine the role of this variant in disease. Therefore, it has been classified as a Variant of Uncertain Significance.

Clinical Genomics Laboratory, Stanford Medicine
Classification: Uncertain significance. Last evaluated: 2022-05-23. Review status: criteria provided, single submitter. Criteria: ACMG Guidelines, 2015. Collection method: clinical testing. Allele origin: germline. Observed: 1 variant allele, 1 heterozygote.
Comment: The p.Ala59Thr variant in the GATA4 gene has not been previously reported in association with disease. This variant has been identified in 1/35,342 European (non-Finnish) chromosomes by the Genome Aggregation Database. Computational tools predict that this variant does not impact protein function; however, the accuracy of in silico algorithms is limited. These data were assessed using the ACMG/AMP variant interpretation guidelines. In summary, the significance of the p.Ala59Thr variant is uncertain. Additional information is needed to resolve the significance of this variant. [ACMG evidence codes used: PM2]